The following is an entry in ClinVar:

ClinVar aggregate classification (germline): Uncertain significance (1 of 4 stars; one submission).

Conditions:
Inborn genetic diseases. Identifiers: MedGen C0950123, MeSH D030342.

Submission:

Ambry Genetics
Classification: Uncertain significance for Inborn genetic diseases. Last evaluated: 2026-03-03. Review status: criteria provided, single submitter. Criteria: Ambry Variant Classification Scheme 2023. Collection method: clinical testing. Allele origin: germline.
Comment: The p.L210P variant (also known as c.629T>C), located in coding exon 8 of the ASXL1 gene, results from a T to C substitution at nucleotide position 629. The leucine at codon 210 is replaced by proline, an amino acid with similar properties. This amino acid position is conserved. In addition, this alteration is predicted to be tolerated by in silico analysis. Based on the available evidence, the clinical significance of this variant remains unclear.

NM_015338.6(ASXL1):c.629T>C (p.Leu210Pro)

Gene: ASXL1 (ASXL transcriptional regulator 1; plus strand). Cytogenetic location: 20q11.21.
Variant type: single nucleotide variant.
Coding change: c.629T>C on transcript NM_015338.6 (MANE Select); coding-DNA position 629, T replaced by C.
Protein change: p.Leu210Pro; replaces leucine 210 with proline.
Molecular consequence: missense variant. On other transcripts: intron variant (1).
Genome position (GRCh38, 1-based): chr20:32,429,964, T>C. VCF-style: chr20-32429964-T-C. GRCh37 (hg19) VCF-style: chr20-31017767-T-C.
Other names: c.535+533T>C (NM_001363734.1); short protein forms L210P.
Identifiers: ClinVar variation 4827404 (VCV004827404.1).